The following is an entry in ClinVar:

ClinVar aggregate classification (germline): Uncertain significance (1 of 4 stars; one submission).

Conditions:
Charcot-Marie-Tooth disease axonal type 2P. Also called: CHARCOT-MARIE-TOOTH NEUROPATHY, TYPE 2P; Charcot-Marie-Tooth Neuropathy Type 2G; CHARCOT-MARIE-TOOTH DISEASE, AXONAL, TYPE 2G; CMT 2G. Identifiers: Orphanet 300319, Orphanet 99941, MedGen C3280797, MONDO:0013753, OMIM 614436.

Allele frequency attached by ClinVar (database versions not stated): gnomAD exomes 0.00001 and 0.00002; ExAC 0.00004; gnomAD 0.00004; TOPMed 0.00004; 1000 Genomes Project 30x 0.00016; 1000 Genomes Project 0.00020.
gnomAD v4.1: 16 of 1,613,714 alleles (0.00099%); highest among the groups gnomAD compares: African/African-American, 0.011%; no homozygotes.

Submission:

Labcorp Genetics (formerly Invitae), Labcorp
Classification: Uncertain significance for Charcot-Marie-Tooth disease axonal type 2P. Last evaluated: 2024-06-11. Review status: criteria provided, single submitter. Criteria: Invitae Variant Classification Sherloc (09022015). Collection method: clinical testing. Allele origin: germline.
Comment: This sequence change replaces arginine, which is basic and polar, with glutamine, which is neutral and polar, at codon 427 of the LRSAM1 protein (p.Arg427Gln). This variant is present in population databases (rs200963472, gnomAD 0.01%). This variant has not been reported in the literature in individuals affected with LRSAM1-related conditions. ClinVar contains an entry for this variant (Variation ID: 1430037). Advanced modeling of protein sequence and biophysical properties (such as structural, functional, and spatial information, amino acid conservation, physicochemical variation, residue mobility, and thermodynamic stability) performed at Invitae indicates that this missense variant is not expected to disrupt LRSAM1 protein function with a negative predictive value of 80%. In summary, the available evidence is currently insufficient to determine the role of this variant in disease. Therefore, it has been classified as a Variant of Uncertain Significance.

NM_001005373.4(LRSAM1):c.1280G>A (p.Arg427Gln)

Gene: LRSAM1 (leucine rich repeat and sterile alpha motif containing 1; plus strand). Cytogenetic location: 9q33.3.
Variant type: single nucleotide variant.
Coding change: c.1280G>A on transcript NM_001005373.4 (MANE Select); coding-DNA position 1280, G replaced by A.
Protein change: p.Arg427Gln; replaces arginine 427 with glutamine.
Molecular consequence: missense variant. On other transcripts: non-coding transcript variant (2).
Genome position (GRCh38, 1-based): chr9:127,487,696, G>A. VCF-style: chr9-127487696-G-A. GRCh37 (hg19) VCF-style: chr9-130249975-G-A.
Other names: c.1280G>A, p.Arg427Gln (NM_001005374.4, NM_001190723.3, NM_001384142.1 and 2 more transcripts); c.491G>A, p.Arg164Gln (NM_001384144.1); short protein forms R164Q, R427Q.
Identifiers: ClinVar variation 1430037 (VCV001430037.8), dbSNP rs200963472, ClinGen allele CA5246922.